The following is an entry in ClinVar:

ClinVar aggregate classification (germline): Uncertain significance. Review status: criteria provided, multiple submitters, no conflicts (2 of 4 stars). 2 submissions from 2 submitters: Uncertain significance (2). Last evaluated 2024-01-11.

Allele frequency attached by ClinVar (database versions not stated): gnomAD exomes 0.00001; ExAC 0.00005; gnomAD 0.00005; TOPMed 0.00011; 1000 Genomes Project 30x 0.00047.
gnomAD v4.1: 14 of 1,549,956 alleles (0.0009%); highest among the groups gnomAD compares: Admixed American, 0.022%; no homozygotes.

Submissions (2):

GeneDx
Classification: Uncertain significance. Last evaluated: 2024-01-11. Review status: criteria provided, single submitter. Criteria: GeneDx Variant Classification Process June 2021. Collection method: clinical testing. Allele origin: germline. Affected: yes.
Comment: In silico analysis supports that this missense variant has a deleterious effect on protein structure/function; Has not been previously published as pathogenic or benign to our knowledge

Ambry Genetics
Classification: Uncertain significance. Last evaluated: 2023-11-18. Review status: criteria provided, single submitter. Criteria: Ambry Variant Classification Scheme 2023. Collection method: clinical testing. Allele origin: germline.

NM_001378328.1(CELSR1):c.8273C>G (p.Ser2758Cys)

Gene: CELSR1 (cadherin EGF LAG seven-pass G-type receptor 1; minus strand). Cytogenetic location: 22q13.31.
Variant type: single nucleotide variant.
Coding change: c.8273C>G on transcript NM_001378328.1 (MANE Select); coding-DNA position 8273, C replaced by G.
Protein change: p.Ser2758Cys; replaces serine 2758 with cysteine.
Molecular consequence: missense variant.
Genome position (GRCh38, 1-based): chr22:46,366,413, G>C on the plus strand (C>G on the coding strand, the complement: CELSR1 is on the minus strand). VCF-style: chr22-46366413-G-C. GRCh37 (hg19) VCF-style: chr22-46762310-G-C.
Other names: c.8273C>G, p.Ser2758Cys (NM_014246.4); short protein forms S2758C.
Identifiers: ClinVar variation 3142014 (VCV003142014.2), dbSNP rs746719085, ClinGen allele CA10292905.